The following is an entry in ClinVar:

NM_006445.4(PRPF8):c.4770T>C (p.Val1590=)

Gene: PRPF8 (pre-mRNA processing factor 8; minus strand). Cytogenetic location: 17p13.3.
Variant type: single nucleotide variant.
Coding change: c.4770T>C on transcript NM_006445.4 (MANE Select); coding-DNA position 4770, T replaced by C.
Protein change: p.Val1590=; no amino-acid change (valine 1590 retained).
Molecular consequence: synonymous variant.
Genome position (GRCh38, 1-based): chr17:1,660,447, A>G on the plus strand (T>C on the coding strand, the complement: PRPF8 is on the minus strand). VCF-style: chr17-1660447-A-G. GRCh37 (hg19) VCF-style: chr17-1563741-A-G.
Identifiers: ClinVar variation 752606 (VCV000752606.11), dbSNP rs200900604, ClinGen allele CA8271592.
Genomic context (GRCh38, chr17:1,660,447, plus strand): 5'-TGAGCTGACTCTCTACAGTACCCTCTCCCCTCGATTCCAGCCCACCTGACATAAGTCCAT[A>G]ACAATGCTCTCATGGATCTTCTGCCACAAGTGAGCTCGGAAGATCTGGATGAGAGAGATC-3'
Protein context (NP_006436.3, residues 1580-1600): HLWQKIHESI[Val1590=]MDLCQVFDQE

ClinVar aggregate classification (germline): Likely benign. Review status: criteria provided, multiple submitters, no conflicts (2 of 4 stars). 3 submissions from 3 submitters: Likely benign (3). Last evaluated 2026-04-27.

Conditions:
PRPF8-related disorder. Also called: PRPF8-related condition.

Allele frequency attached by ClinVar (database versions not stated): gnomAD exomes 0.00002 and 0.00005; ExAC 0.00006; ESP Exome Variant Server 0.00015; 1000 Genomes Project 30x 0.00016; gnomAD 0.00016 and 0.00017; 1000 Genomes Project 0.00020; TOPMed 0.00020.
gnomAD v4.1: 62 of 1,614,184 alleles (0.0038%); highest among the groups gnomAD compares: African/African-American, 0.072%; no homozygotes.

Submissions (3):

PreventionGenetics, part of Exact Sciences
Classification: Likely benign for PRPF8-related condition. Last evaluated: 2026-04-27. Review status: criteria provided, single submitter. Criteria: ACMG Guidelines, 2015. Collection method: clinical testing. Allele origin: germline.
Comment: This variant is classified as likely benign based on ACMG/AMP sequence variant interpretation guidelines (Richards et al. 2015 PMID: 25741868, with internal and published modifications).

Labcorp Genetics (formerly Invitae), Labcorp
Classification: Likely benign. Last evaluated: 2026-01-15. Review status: criteria provided, single submitter. Criteria: Invitae Variant Classification Sherloc (09022015). Collection method: clinical testing. Allele origin: germline.

Blueprint Genetics
Classification: Likely benign. Last evaluated: 2024-11-25. Review status: criteria provided, single submitter. Criteria: ACMG Guidelines, 2015. Collection method: clinical testing. Allele origin: germline.